The following is an entry in ClinVar:

ClinVar aggregate classification (germline): Conflicting classifications of pathogenicity. Review status: criteria provided, conflicting classifications (1 of 4 stars). 3 submissions from 3 submitters: Uncertain significance (2); Likely benign (1). Last evaluated 2024-06-26.

Allele frequency attached by ClinVar (database versions not stated): ESP Exome Variant Server 0.00017.
gnomAD v4.1: 406 of 1,612,692 alleles (0.025%); highest among the groups gnomAD compares: Middle Eastern, 0.083%; no homozygotes.

Submissions (4):

Blueprint Genetics
Classification: Likely benign. Last evaluated: 2024-06-26. Review status: criteria provided, single submitter. Criteria: ACMG Guidelines, 2015. Collection method: clinical testing. Allele origin: germline.

Labcorp Genetics (formerly Invitae), Labcorp
Classification: Uncertain significance. Last evaluated: 2023-06-30. Review status: criteria provided, single submitter. Criteria: Invitae Variant Classification Sherloc (09022015). Collection method: clinical testing. Allele origin: germline.
Comment: This sequence change replaces alanine, which is neutral and non-polar, with proline, which is neutral and non-polar, at codon 557 of the PITRM1 protein (p.Ala557Pro). This variant is present in population databases (rs368479367, gnomAD 0.1%). This variant has not been reported in the literature in individuals affected with PITRM1-related conditions. ClinVar contains an entry for this variant (Variation ID: 2084604). Algorithms developed to predict the effect of missense changes on protein structure and function output the following: SIFT: "Not Available"; PolyPhen-2: "Benign"; Align-GVGD: "Not Available". The proline amino acid residue is found in multiple mammalian species, which suggests that this missense change does not adversely affect protein function. In summary, the available evidence is currently insufficient to determine the role of this variant in disease. Therefore, it has been classified as a Variant of Uncertain Significance.

Ambry Genetics
Classification: Uncertain significance. Last evaluated: 2021-08-02. Review status: criteria provided, single submitter. Criteria: Ambry Variant Classification Scheme 2023. Collection method: clinical testing. Allele origin: germline.

Dr. Peter K. Rogan Lab, Western University
No classification provided (evidence only). Condition: Uveal melanoma. Review status: no classification provided. Collection method: in vitro. Allele origin: not applicable. Functional consequence: retained intron. Not counted in ClinVar's aggregate classification.

NM_014889.4(PITRM1):c.1765G>C (p.Ala589Pro)

Gene: PITRM1 (pitrilysin metallopeptidase 1; minus strand). Cytogenetic location: 10p15.2.
Variant type: single nucleotide variant.
Coding change: c.1765G>C on transcript NM_014889.4 (MANE Select); coding-DNA position 1765, G replaced by C.
Protein change: p.Ala589Pro; replaces alanine 589 with proline.
Molecular consequence: missense variant. On other transcripts: non-coding transcript variant (4).
Genome position (GRCh38, 1-based): chr10:3,149,727, C>G on the plus strand (G>C on the coding strand, the complement: PITRM1 is on the minus strand). VCF-style: chr10-3149727-C-G. GRCh37 (hg19) VCF-style: chr10-3191919-C-G.
Other names: c.1765G>C, p.Ala589Pro (NM_001242307.2, NM_001347725.2); c.1669G>C, p.Ala557Pro (NM_001242309.1); c.1150G>C, p.Ala384Pro (NM_001347726.2, NM_001347727.2); c.460G>C, p.Ala154Pro (NM_001347728.2); c.1741G>C, p.Ala581Pro (NM_001347729.1, NM_001347730.1); short protein forms A154P, A384P, A581P, A557P, A589P.
Identifiers: ClinVar variation 2084604 (VCV002084604.5), dbSNP rs368479367, ClinGen allele CA5387681.